The following is an entry in ClinVar:

NM_000492.3(CFTR):c.54-5940_273+10250del

Genes: CFTR (CF transmembrane conductance regulator; plus strand), LOC113664107 (CFTR intron 3 DNase I hypersensitive site; plus strand), LOC113664106 (CFTR intron 2 DNase I hypersensitive site; plus strand). Cytogenetic location: 7q31.2.
Variant type: Deletion.
Coding change: c.54-5940_273+10250del on transcript NM_000492.3; 5940 bases into the intron before coding-DNA position 54 through 10250 bases into the intron after coding-DNA position 273, this stretch deleted.
Other names: CFTRdele2,3; NM_000492.3:c.del_exon 2,3; c.54-5940_273+10250del21kb (NM_000492.3); c.54-5940_273+10250del (LRG_663t1, NM_000492.4).
Identifiers: ClinVar variation 66105 (VCV000066105.9).

ClinVar aggregate classification (germline): Pathogenic. Review status: reviewed by expert panel (3 of 4 stars). 8 submissions from 8 submitters: Pathogenic (1). 7 of the submissions do not count toward it. Last evaluated 2017-03-17.

Conditions:
Hereditary pancreatitis (PCTT). Also called: PRSS1-Related Hereditary Pancreatitis; Hereditary chronic pancreatitis. Identifiers: Orphanet 676, MedGen C0238339, MONDO:0008185, OMIM 167800.
Cystic fibrosis (CF). Also called: MUCOVISCIDOSIS. Identifiers: Orphanet 586, MedGen C0010674, MONDO:0009061, OMIM 219700. Disease mechanism: loss of function.
Obstructive azoospermia. Identifiers: MedGen C4023106, HP:0011962.

Submissions (8):

CFTR2
Classification: Pathogenic for Cystic fibrosis. Last evaluated: 2017-03-17. Review status: reviewed by expert panel. Criteria: Sosnay PR et al. (Nat Genet 2013). Collection method: research. Allele origin: germline. Affected: yes. Study: CFTR2.

Institute of Human Genetics, University of Leipzig Medical Center
Classification: Pathogenic for Cystic fibrosis. Last evaluated: 2022-09-05. Review status: criteria provided, single submitter. Criteria: ACMG Guidelines, 2015. Collection method: curation. Allele origin: unknown. Affected: yes. Observed: 4 variant alleles. Not counted in ClinVar's aggregate classification.
Comment: This variant was identified in 4 unrelated patients with a clinically confirmed diagnosis of cystic fibrosis. The variant was classified in the context of a project re-classifying variants in the German Cystic Fibrosis Registry (Muko.e.V.). Criteria applied: PVS1, PM3_VSTR, PM2_SUP, PP4

Institute of Reproductive Genetics, University of Münster
Classification: Pathogenic for Obstructive azoospermia. Last evaluated: 2021-08-23. Review status: criteria provided, single submitter. Criteria: ACMG Guidelines, 2015. Collection method: clinical testing. Allele origin: germline. Affected: yes. Observed: 1 variant allele. Not counted in ClinVar's aggregate classification.

Johns Hopkins Genomics, Johns Hopkins University
Classification: Pathogenic for Cystic fibrosis. Last evaluated: 2019-02-18. Review status: criteria provided, single submitter. Criteria: ACMG Guidelines, 2015. Collection method: clinical testing. Allele origin: germline. Not counted in ClinVar's aggregate classification.

Mendelics
Classification: Pathogenic for Cystic fibrosis. Last evaluated: 2018-11-05. Review status: criteria provided, single submitter. Criteria: Mendelics Assertion Criteria 2017. Collection method: clinical testing. Allele origin: unknown. Affected: yes. Not counted in ClinVar's aggregate classification.

CFTR-France
Classification: Pathogenic for cystic fibrosis. Last evaluated: 2018-01-29. Review status: criteria provided, single submitter. Criteria: Claustres M et al. (Hum Mutat 2017). Collection method: curation. Allele origin: germline. Affected: yes. Not counted in ClinVar's aggregate classification.

Women's Health and Genetics/Laboratory Corporation of America, LabCorp
Classification: Pathogenic. Last evaluated: 2017-12-07. Review status: criteria provided, single submitter. Criteria: LabCorp Variant Classification Summary - May 2015. Collection method: clinical testing. Allele origin: germline. Not counted in ClinVar's aggregate classification.
Comment: Variant summary: This CFTR variant c.54-5940_273+10250del involves the deletion of exons 2 and 3 in the CFTR gene. This presumably will lead to out-of-frame translational product. The frequency of this variant in the general population could not be determined due to the technology used for large population databases (ExAC, ESP, 1000G, gnomAD) cannot detect deletions this large. This variant has been reported in numerous affected individuals via publications and reputable databases as a CF-causing variant. Taken together, this variant is classified as pathogenic.

GeneReviews
No classification provided. Condition: Hereditary pancreatitis. Review status: no classification provided. Collection method: literature only. Allele origin: germline. Affected: yes. Not counted in ClinVar's aggregate classification.

Literature cited by the submitters: PubMed 23974870 (cited by Women's Health and Genetics/Laboratory Corporation of America, LabCorp); NCBI Bookshelf NBK190101 (cited by GeneReviews).